The following is an entry in ClinVar:

ClinVar aggregate classification (germline): Uncertain significance. Review status: criteria provided, multiple submitters, no conflicts (2 of 4 stars). 2 submissions from 2 submitters: Uncertain significance (2). Last evaluated 2025-02-13.

Conditions:
Inborn genetic diseases. Identifiers: MedGen C0950123, MeSH D030342.

Allele frequency attached by ClinVar (database versions not stated): TOPMed 0.00001; gnomAD exomes 0.00002; gnomAD 0.00001.
gnomAD v4.1: 19 of 1,568,704 alleles (0.0012%); highest among the groups gnomAD compares: Non-Finnish European, 0.0017%; no homozygotes.

Submissions (2):

Ambry Genetics
Classification: Uncertain significance for Inborn genetic diseases. Last evaluated: 2025-02-13. Review status: criteria provided, single submitter. Criteria: Ambry Variant Classification Scheme 2023. Collection method: clinical testing. Allele origin: germline.

Labcorp Genetics (formerly Invitae), Labcorp
Classification: Uncertain significance. Last evaluated: 2022-11-01. Review status: criteria provided, single submitter. Criteria: Invitae Variant Classification Sherloc (09022015). Collection method: clinical testing. Allele origin: germline.
Comment: This variant is present in population databases (no rsID available, gnomAD 0.003%). In summary, the available evidence is currently insufficient to determine the role of this variant in disease. Therefore, it has been classified as a Variant of Uncertain Significance. Algorithms developed to predict the effect of missense changes on protein structure and function are either unavailable or do not agree on the potential impact of this missense change (SIFT: "Deleterious"; PolyPhen-2: "Possibly Damaging"; Align-GVGD: "Class C0"). ClinVar contains an entry for this variant (Variation ID: 1363904). This variant has not been reported in the literature in individuals affected with GUCY2C-related conditions. This sequence change replaces glutamic acid, which is acidic and polar, with lysine, which is basic and polar, at codon 719 of the GUCY2C protein (p.Glu719Lys).

NM_004963.4(GUCY2C):c.2155G>A (p.Glu719Lys)

Gene: GUCY2C (guanylate cyclase 2C; minus strand). Cytogenetic location: 12p12.3.
Variant type: single nucleotide variant.
Coding change: c.2155G>A on transcript NM_004963.4 (MANE Select); coding-DNA position 2155, G replaced by A.
Protein change: p.Glu719Lys; replaces glutamic acid 719 with lysine.
Molecular consequence: missense variant.
Genome position (GRCh38, 1-based): chr12:14,639,864, C>T on the plus strand (G>A on the coding strand, the complement: GUCY2C is on the minus strand). VCF-style: chr12-14639864-C-T. GRCh37 (hg19) VCF-style: chr12-14792798-C-T.
Other names: c.2155G>A (NM_004963.3); short protein forms E719K.
Identifiers: ClinVar variation 1363904 (VCV001363904.7), dbSNP rs895214647, ClinGen allele CA233191857.
Genomic context (GRCh38, chr12:14,639,864, plus strand): 5'-TACATTTATGGTAATTTTATAGCAGGCCAAGGAAATGAATACGGGAAGATATACTCACTT[C>T]TAGCTCTTTTTCCTCTGCTGTTTCCAAGAATAAATCTGGGCGGAAGGGTTTCATTCCATT-3'
Protein context (NP_004954.2, residues 709-729): FLETAEEKEL[Glu719Lys]VYLLVKNCWE